The following is an entry in ClinVar:

NM_002227.4(JAK1):c.3259-3T>C

Gene: JAK1 (Janus kinase 1; minus strand). Cytogenetic location: 1p31.3.
Variant type: single nucleotide variant.
Coding change: c.3259-3T>C on transcript NM_002227.4 (MANE Select); 3 bases into the intron before coding-DNA position 3259, T replaced by C.
Molecular consequence: intron variant.
Genome position (GRCh38, 1-based): chr1:64,835,509, A>G on the plus strand (T>C on the coding strand, the complement: JAK1 is on the minus strand). VCF-style: chr1-64835509-A-G. GRCh37 (hg19) VCF-style: chr1-65301192-A-G.
Other names: c.3259-3T>C (NM_001321852.2, NM_001321854.2, NM_001321853.2 and 3 more transcripts); c.3256-3T>C (NM_001321857.2).
Identifiers: ClinVar variation 1471536 (VCV001471536.6), dbSNP rs2100930564, ClinGen allele CA2573132552.

ClinVar aggregate classification (germline): Uncertain significance (1 of 4 stars; one submission).

Allele frequency attached by ClinVar (database versions not stated): gnomAD exomes below 0.00001.
gnomAD v4.1: 3 of 1,530,872 alleles (0.0002%); highest among the groups gnomAD compares: South Asian, 0.0024%; no homozygotes.

Submission:

Labcorp Genetics (formerly Invitae), Labcorp
Classification: Uncertain significance. Last evaluated: 2025-09-02. Review status: criteria provided, single submitter. Criteria: Invitae Variant Classification Sherloc (09022015). Collection method: clinical testing. Allele origin: germline.
Comment: This sequence change falls in intron 23 of the JAK1 gene. It does not directly change the encoded amino acid sequence of the JAK1 protein. It affects a nucleotide within the consensus splice site. This variant is not present in population databases (gnomAD no frequency). This variant has not been reported in the literature in individuals affected with JAK1-related conditions. ClinVar contains an entry for this variant (Variation ID: 1471536). Variants that disrupt the consensus splice site are a relatively common cause of aberrant splicing (PMID: 17576681, 9536098). Algorithms developed to predict the effect of sequence changes on RNA splicing suggest that this variant is not likely to affect RNA splicing. In summary, the available evidence is currently insufficient to determine the role of this variant in disease. Therefore, it has been classified as a Variant of Uncertain Significance.

Literature cited by the submitters: PubMed 17576681; PubMed 9536098.